The following is an entry in ClinVar:

ClinVar aggregate classification (germline): Uncertain significance. Review status: criteria provided, multiple submitters, no conflicts (2 of 4 stars). 2 submissions from 2 submitters: Uncertain significance (2). Last evaluated 2025-09-17.

Conditions:
CHARGE syndrome (CHARGE). Also called: Hittner Hirsch Kreh syndrome; CHARGE ASSOCIATION--COLOBOMA, HEART ANOMALY, CHOANAL ATRESIA, RETARDATION, GENITAL AND EAR ANOMALIES; Coloboma, heart anomaly, choanal atresia, retardation, genital and ear anomalies; CHARGE association; Hall-Hittner syndrome. Identifiers: Orphanet 138, MedGen C0265354, MONDO:0008965.

gnomAD v4.1: 1 of 1,612,824 alleles (0.000062%); no homozygotes.

Submissions (2):

Labcorp Genetics (formerly Invitae), Labcorp
Classification: Uncertain significance for CHARGE syndrome. Last evaluated: 2025-09-17. Review status: criteria provided, single submitter. Criteria: Invitae Variant Classification Sherloc (09022015). Collection method: clinical testing. Allele origin: germline.
Comment: This sequence change replaces glutamic acid, which is acidic and polar, with aspartic acid, which is acidic and polar, at codon 939 of the CHD7 protein (p.Glu939Asp). This variant is not present in population databases (gnomAD no frequency). This variant has not been reported in the literature in individuals affected with CHD7-related conditions. ClinVar contains an entry for this variant (Variation ID: 802407). Invitae Evidence Modeling of protein sequence and biophysical properties (such as structural, functional, and spatial information, amino acid conservation, physicochemical variation, residue mobility, and thermodynamic stability) indicates that this missense variant is not expected to disrupt CHD7 protein function with a negative predictive value of 95%. In summary, the available evidence is currently insufficient to determine the role of this variant in disease. Therefore, it has been classified as a Variant of Uncertain Significance.

Mendelics
Classification: Uncertain significance for CHD7-related CHARGE syndrome. Last evaluated: 2019-05-28. Review status: criteria provided, single submitter. Criteria: Mendelics Assertion Criteria 2017. Collection method: clinical testing. Allele origin: unknown.

NM_017780.4(CHD7):c.2817G>T (p.Glu939Asp)

Gene: CHD7 (chromodomain helicase DNA binding protein 7; plus strand). Cytogenetic location: 8q12.2.
Variant type: single nucleotide variant.
Coding change: c.2817G>T on transcript NM_017780.4 (MANE Select); coding-DNA position 2817, G replaced by T.
Protein change: p.Glu939Asp; replaces glutamic acid 939 with aspartic acid.
Molecular consequence: missense variant. On other transcripts: intron variant (1).
Genome position (GRCh38, 1-based): chr8:60,821,909, G>T. VCF-style: chr8-60821909-G-T. GRCh37 (hg19) VCF-style: chr8-61734468-G-T.
Other names: c.1717-40320G>T (NM_001316690.1); short protein forms E939D.
Identifiers: ClinVar variation 802407 (VCV000802407.3), dbSNP rs1586389578, ClinGen allele CA371307987.